The following is an entry in ClinVar:

NM_020937.4(FANCM):c.1228A>G (p.Met410Val)

Gene: FANCM (FA complementation group M; plus strand). Cytogenetic location: 14q21.2.
Variant type: single nucleotide variant.
Coding change: c.1228A>G on transcript NM_020937.4 (MANE Select); coding-DNA position 1228, A replaced by G.
Protein change: p.Met410Val; replaces methionine 410 with valine.
Molecular consequence: missense variant.
Genome position (GRCh38, 1-based): chr14:45,154,741, A>G. VCF-style: chr14-45154741-A-G. GRCh37 (hg19) VCF-style: chr14-45623944-A-G.
Other names: c.1150A>G, p.Met384Val (NM_001308133.2); c.1228A>G, p.Met410Val (NM_001308134.2); short protein forms M410V, M384V.
Identifiers: ClinVar variation 4022865 (VCV004022865.1).

ClinVar aggregate classification (germline): Uncertain significance (1 of 4 stars; one submission).

Conditions:
Inborn genetic diseases. Identifiers: MedGen C0950123, MeSH D030342.

Submission:

Ambry Genetics
Classification: Uncertain significance for Inborn genetic diseases. Last evaluated: 2025-06-08. Review status: criteria provided, single submitter. Criteria: Ambry Variant Classification Scheme 2023. Collection method: clinical testing. Allele origin: germline.
Comment: The p.M410V variant (also known as c.1228A>G), located in coding exon 7 of the FANCM gene, results from an A to G substitution at nucleotide position 1228. The methionine at codon 410 is replaced by valine, an amino acid with highly similar properties. This amino acid position is conserved. In addition, this alteration is predicted to be tolerated by in silico analysis. Based on the available evidence, the clinical significance of this variant remains unclear.